The following is an entry in ClinVar:

ClinVar aggregate classification (germline): Uncertain significance (1 of 4 stars; one submission).

Submission:

Women's Health and Genetics/Laboratory Corporation of America, LabCorp
Classification: Uncertain significance. Last evaluated: 2025-06-06. Review status: criteria provided, single submitter. Criteria: LabCorp Variant Classification Summary - May 2015. Collection method: clinical testing. Allele origin: germline.
Comment: Variant summary: MAST3 c.2324C>G (p.Pro775Arg) results in a non-conservative amino acid change in the encoded protein sequence. Algorithms developed to predict the effect of missense changes on protein structure and function are either unavailable or do not agree on the potential impact of this missense change. The variant was absent in 248898 control chromosomes. The available data on variant occurrences in the general population are insufficient to allow any conclusion about variant significance. To our knowledge, no occurrence of c.2324C>G in individuals affected with Developmental And Epileptic Encephalopathy 108 and no experimental evidence demonstrating its impact on protein function have been reported. No submitters have cited clinical-significance assessments for this variant to ClinVar. Based on the evidence outlined above, the variant was classified as uncertain significance.

NM_001393504.1(MAST3):c.2411C>G (p.Pro804Arg)

Gene: MAST3 (microtubule associated serine/threonine kinase 3; plus strand). Cytogenetic location: 19p13.11.
Variant type: single nucleotide variant.
Coding change: c.2411C>G on transcript NM_001393504.1 (MANE Select); coding-DNA position 2411, C replaced by G.
Protein change: p.Pro804Arg; replaces proline 804 with arginine.
Molecular consequence: missense variant.
Genome position (GRCh38, 1-based): chr19:18,143,834, C>G. VCF-style: chr19-18143834-C-G. GRCh37 (hg19) VCF-style: chr19-18254644-C-G.
Other names: c.2435C>G, p.Pro812Arg (NM_001393501.1); c.2414C>G, p.Pro805Arg (NM_001393502.1); c.2411C>G, p.Pro804Arg (NM_001393503.1); c.2408C>G, p.Pro803Arg (NM_001393505.1); c.2363C>G, p.Pro788Arg (NM_001393506.1, NM_001393513.1); c.2390C>G, p.Pro797Arg (NM_001393507.1); c.2345C>G, p.Pro782Arg (NM_001393508.1, NM_001393516.1); c.2342C>G, p.Pro781Arg (NM_001393509.1, NM_001393510.1, NM_001393512.1 and 2 more transcripts); and 4 more; short protein forms P766R, P774R, P775R, P780R, P781R, P782R, P788R, P797R.
Identifiers: ClinVar variation 3907334 (VCV003907334.1).